The following is an entry in ClinVar:

NM_000057.4(BLM):c.3570G>C (p.Met1190Ile)

Gene: BLM (BLM RecQ like helicase; plus strand). Cytogenetic location: 15q26.1.
Variant type: single nucleotide variant.
Coding change: c.3570G>C on transcript NM_000057.4 (MANE Select); coding-DNA position 3570, G replaced by C.
Protein change: p.Met1190Ile; replaces methionine 1190 with isoleucine.
Molecular consequence: missense variant. On other transcripts: intron variant (1).
Genome position (GRCh38, 1-based): chr15:90,804,178, G>C. VCF-style: chr15-90804178-G-C. GRCh37 (hg19) VCF-style: chr15-91347408-G-C.
Other names: c.3570G>C, p.Met1190Ile (NM_001287246.2); c.2445G>C, p.Met815Ile (NM_001287248.2); c.3359-4959G>C (NM_001287247.2); short protein forms M815I, M1190I.
Identifiers: ClinVar variation 5032921 (VCV005032921.1).

ClinVar aggregate classification (germline): Uncertain significance (1 of 4 stars; one submission).

Conditions:
Hereditary cancer-predisposing syndrome. Also called: Neoplastic Syndromes, Hereditary; Tumor predisposition; Hereditary neoplastic syndrome; Hereditary Cancer Syndrome. Identifiers: Orphanet 140162, MedGen C0027672, MeSH D009386, MONDO:0015356.

Submission:

Ambry Genetics
Classification: Uncertain significance for Hereditary cancer-predisposing syndrome. Last evaluated: 2026-08-10. Review status: criteria provided, single submitter. Criteria: Ambry Variant Classification Scheme 2023. Collection method: clinical testing. Allele origin: germline.
Comment: The p.M1190I variant (also known as c.3570G>C), located in coding exon 18 of the BLM gene, results from a G to C substitution at nucleotide position 3570. The methionine at codon 1190 is replaced by isoleucine, an amino acid with highly similar properties. This amino acid position is conserved. In addition, this alteration is predicted to be tolerated by in silico analysis. Based on the available evidence, the clinical significance of this variant remains unclear.